The following is an entry in ClinVar:

NM_001184.4(ATR):c.1256A>G (p.Asn419Ser)

Gene: ATR (ATR serine/threonine kinase; minus strand). Cytogenetic location: 3q23.
Variant type: single nucleotide variant.
Coding change: c.1256A>G on transcript NM_001184.4 (MANE Select); coding-DNA position 1256, A replaced by G.
Protein change: p.Asn419Ser; replaces asparagine 419 with serine.
Molecular consequence: missense variant.
Genome position (GRCh38, 1-based): chr3:142,561,336, T>C on the plus strand (A>G on the coding strand, the complement: ATR is on the minus strand). VCF-style: chr3-142561336-T-C. GRCh37 (hg19) VCF-style: chr3-142280178-T-C.
Other names: c.1256A>G, p.Asn419Ser (NM_001354579.2); short protein forms N419S.
Identifiers: ClinVar variation 3462648 (VCV003462648.1).

ClinVar aggregate classification (germline): Uncertain significance (1 of 4 stars; one submission).

Conditions:
Inborn genetic diseases. Identifiers: MedGen C0950123, MeSH D030342.

Submission:

Ambry Genetics
Classification: Uncertain significance for Inborn genetic diseases. Last evaluated: 2024-09-08. Review status: criteria provided, single submitter. Criteria: Ambry Variant Classification Scheme 2023. Collection method: clinical testing. Allele origin: germline.
Comment: The p.N419S variant (also known as c.1256A>G), located in coding exon 5 of the ATR gene, results from an A to G substitution at nucleotide position 1256. The asparagine at codon 419 is replaced by serine, an amino acid with highly similar properties. This amino acid position is conserved. In addition, this alteration is predicted to be tolerated by in silico analysis. Based on the available evidence, the clinical significance of this variant remains unclear.